The following is an entry in ClinVar:

ClinVar aggregate classification (germline): Uncertain significance (1 of 4 stars; one submission).

Allele frequency attached by ClinVar (database versions not stated): gnomAD exomes below 0.00001.
gnomAD v4.1: 5 of 1,611,536 alleles (0.00031%); highest among the groups gnomAD compares: Non-Finnish European, 0.00034%; no homozygotes.

Submission:

Labcorp Genetics (formerly Invitae), Labcorp
Classification: Uncertain significance. Last evaluated: 2021-07-28. Review status: criteria provided, single submitter. Criteria: Invitae Variant Classification Sherloc (09022015). Collection method: clinical testing. Allele origin: germline.
Comment: In summary, the available evidence is currently insufficient to determine the role of this variant in disease. Therefore, it has been classified as a Variant of Uncertain Significance. Experimental studies have shown that this variant does not substantially affect SLC9A3 protein function (PMID: 26358773). This variant has been observed in individual(s) with congenital sodium diarrhea; however it was observed on the same allele as a truncating variant, and therefore unlikely to be causative of disease (PMID: 26358773). This variant is not present in population databases (ExAC no frequency). This sequence change replaces alanine with threonine at codon 127 of the SLC9A3 protein (p.Ala127Thr). The alanine residue is moderately conserved and there is a small physicochemical difference between alanine and threonine.

Literature cited by the submitters: PubMed 26358773.

NM_004174.4(SLC9A3):c.379G>A (p.Ala127Thr)

Gene: SLC9A3 (solute carrier family 9 member A3). Cytogenetic location: 5p15.33.
Variant type: single nucleotide variant.
Coding change: c.379G>A on transcript NM_004174.4 (MANE Select); coding-DNA position 379, G replaced by A.
Protein change: p.Ala127Thr; replaces alanine 127 with threonine.
Molecular consequence: missense variant.
Genome position (GRCh38, 1-based): chr5:491,904, C>T on the plus strand (G>A on the coding strand, the complement: SLC9A3 is on the minus strand). VCF-style: chr5-491904-C-T. GRCh37 (hg19) VCF-style: chr5-492019-C-T.
Other names: c.379G>A, p.Ala127Thr (NM_001284351.3); short protein forms A127T.
Identifiers: ClinVar variation 1442718 (VCV001442718.6), dbSNP rs1047334552, ClinGen allele CA112860009.